The following is an entry in ClinVar:

ClinVar aggregate classification (germline): Benign/Likely benign. Review status: criteria provided, multiple submitters, no conflicts (2 of 4 stars). 4 submissions from 4 submitters: Benign (2); Likely benign (1). 1 of the submissions does not count toward it. Last evaluated 2025-12-29.

Conditions:
Psoriasis 2. Identifiers: MedGen C1864497, MONDO:0011269, OMIM 602723.
Pityriasis rubra pilaris (PRP). Also called: Pityriasis rubra pilaris--familial type. Identifiers: Orphanet 2897, MedGen C0032027, MONDO:0100017, OMIM 173200, MONDO:0008251.
CARD14-related disorder. Also called: CARD14-related condition.

Allele frequency attached by ClinVar (database versions not stated): gnomAD exomes 0.00007 and 0.00019; ExAC 0.00024; 1000 Genomes Project 30x 0.00031; ESP Exome Variant Server 0.00038; 1000 Genomes Project 0.00040; gnomAD 0.00053 and 0.00056; TOPMed 0.00068.
gnomAD v4.1: 193 of 1,612,380 alleles (0.012%); highest among the groups gnomAD compares: African/African-American, 0.21%; no homozygotes.

Submissions (4):

Labcorp Genetics (formerly Invitae), Labcorp
Classification: Benign for Pityriasis rubra pilaris; Psoriasis 2. Last evaluated: 2025-12-29. Review status: criteria provided, single submitter. Criteria: Invitae Variant Classification Sherloc (09022015). Collection method: clinical testing. Allele origin: germline.

Blueprint Genetics
Classification: Likely benign. Last evaluated: 2024-11-13. Review status: criteria provided, single submitter. Criteria: ACMG Guidelines, 2015. Collection method: clinical testing. Allele origin: germline.

CeGaT Center for Human Genetics Tuebingen
Classification: Benign. Last evaluated: 2022-05-01. Review status: criteria provided, single submitter. Criteria: CeGaT Center For Human Genetics Tuebingen Variant Classification Criteria Version 2. Collection method: clinical testing. Allele origin: germline. Affected: yes. Observed: 1 variant allele.
Comment: CARD14: BS1, BS2

PreventionGenetics, part of Exact Sciences
Classification: Likely benign for CARD14-related condition. Last evaluated: 2022-01-17. Review status: no assertion criteria provided. Collection method: clinical testing. Allele origin: germline. Not counted in ClinVar's aggregate classification.
Comment: This variant is classified as likely benign based on ACMG/AMP sequence variant interpretation guidelines (Richards et al. 2015 PMID: 25741868, with internal and published modifications).

NM_001366385.1(CARD14):c.1518G>A (p.Pro506=)

Gene: CARD14 (caspase recruitment domain family member 14; plus strand). Cytogenetic location: 17q25.3.
Variant type: single nucleotide variant.
Coding change: c.1518G>A on transcript NM_001366385.1 (MANE Select); coding-DNA position 1518, G replaced by A.
Protein change: p.Pro506=; no amino-acid change (proline 506 retained).
Molecular consequence: synonymous variant. On other transcripts: non-coding transcript variant (1).
Genome position (GRCh38, 1-based): chr17:80,195,576, G>A. VCF-style: chr17-80195576-G-A. GRCh37 (hg19) VCF-style: chr17-78169375-G-A.
Other names: c.1518G>A, p.Pro506= (NM_001257970.1, NM_024110.4); c.807G>A, p.Pro269= (NM_052819.3).
Identifiers: ClinVar variation 1164447 (VCV001164447.35), dbSNP rs111586978, ClinGen allele CA8816856.